The following is an entry in ClinVar:

ClinVar aggregate classification (germline): Uncertain significance (1 of 4 stars; one submission).

Conditions:
Ullrich congenital muscular dystrophy 2 (UCMD2). Identifiers: Orphanet 75840, MedGen C4225314, MONDO:0014654, OMIM 616470.
Bethlem myopathy 2 (BTHLM2). Identifiers: Orphanet 536516, Orphanet 610, MedGen C4225313, MONDO:0034022, OMIM 616471.

Allele frequency attached by ClinVar (database versions not stated): gnomAD 0.00002; gnomAD exomes below 0.00001; TOPMed 0.00003.
gnomAD v4.1: 6 of 1,613,440 alleles (0.00037%); highest among the groups gnomAD compares: Admixed American, 0.0033%; no homozygotes.

Submission:

Labcorp Genetics (formerly Invitae), Labcorp
Classification: Uncertain significance for Bethlem myopathy 2; Ullrich congenital muscular dystrophy 2. Last evaluated: 2025-09-07. Review status: criteria provided, single submitter. Criteria: Invitae Variant Classification Sherloc (09022015). Collection method: clinical testing. Allele origin: germline.
Comment: This sequence change replaces alanine, which is neutral and non-polar, with valine, which is neutral and non-polar, at codon 1500 of the COL12A1 protein (p.Ala1500Val). This variant is not present in population databases (gnomAD no frequency). This variant has not been reported in the literature in individuals affected with COL12A1-related conditions. ClinVar contains an entry for this variant (Variation ID: 2184746). Invitae Evidence Modeling of protein sequence and biophysical properties (such as structural, functional, and spatial information, amino acid conservation, physicochemical variation, residue mobility, and thermodynamic stability) indicates that this missense variant is not expected to disrupt COL12A1 protein function with a negative predictive value of 80%. In summary, the available evidence is currently insufficient to determine the role of this variant in disease. Therefore, it has been classified as a Variant of Uncertain Significance.

NM_004370.6(COL12A1):c.4499C>T (p.Ala1500Val)

Gene: COL12A1 (collagen type XII alpha 1 chain; minus strand). Cytogenetic location: 6q13.
Variant type: single nucleotide variant.
Coding change: c.4499C>T on transcript NM_004370.6 (MANE Select); coding-DNA position 4499, C replaced by T.
Protein change: p.Ala1500Val; replaces alanine 1500 with valine.
Molecular consequence: missense variant.
Genome position (GRCh38, 1-based): chr6:75,146,163, G>A on the plus strand (C>T on the coding strand, the complement: COL12A1 is on the minus strand). VCF-style: chr6-75146163-G-A. GRCh37 (hg19) VCF-style: chr6-75855879-G-A.
Other names: c.1007C>T, p.Ala336Val (NM_080645.3); short protein forms A1500V, A336V.
Identifiers: ClinVar variation 2184746 (VCV002184746.4), dbSNP rs1767182064, ClinGen allele CA364743703.